The following is an entry in ClinVar:

ClinVar aggregate classification (germline): Uncertain significance (1 of 4 stars; one submission).

Conditions:
Duchenne muscular dystrophy (DMD). Also called: Duchenne Muscular Dystrophy (DMD); MUSCULAR DYSTROPHY, PSEUDOHYPERTROPHIC PROGRESSIVE, DUCHENNE TYPE. Identifiers: Orphanet 98896, MedGen C0013264, MONDO:0010679, OMIM 310200.

Submission:

Labcorp Genetics (formerly Invitae), Labcorp
Classification: Uncertain significance for Duchenne muscular dystrophy. Last evaluated: 2018-04-08. Review status: criteria provided, single submitter. Criteria: Invitae Variant Classification Sherloc (09022015). Collection method: clinical testing. Allele origin: germline.
Comment: This sequence change replaces alanine with proline at codon 2599 of the DMD protein (p.Ala2599Pro). The alanine residue is moderately conserved and there is a small physicochemical difference between alanine and proline. This variant is not present in population databases (ExAC no frequency). This variant has not been reported in the literature in individuals with DMD-related disease. Algorithms developed to predict the effect of missense changes on protein structure and function do not agree on the potential impact of this missense change (SIFT: "Tolerated"; PolyPhen-2: "Possibly Damaging"; Align-GVGD: "Class C0"). In summary, the available evidence is currently insufficient to determine the role of this variant in disease. Therefore, it has been classified as a Variant of Uncertain Significance.

NM_004006.3(DMD):c.7795G>C (p.Ala2599Pro)

Gene: DMD (dystrophin; minus strand). Cytogenetic location: Xp21.1.
Variant type: single nucleotide variant.
Coding change: c.7795G>C on transcript NM_004006.3 (MANE Select); coding-DNA position 7795, G replaced by C.
Protein change: p.Ala2599Pro; replaces alanine 2599 with proline.
Molecular consequence: missense variant.
Genome position (GRCh38, 1-based): chrX:31,679,452, C>G on the plus strand (G>C on the coding strand, the complement: DMD is on the minus strand). VCF-style: chrX-31679452-C-G. GRCh37 (hg19) VCF-style: chrX-31697569-C-G.
Other names: c.7771G>C, p.Ala2591Pro (NM_000109.4); c.7783G>C, p.Ala2595Pro (NM_004009.3); c.7426G>C, p.Ala2476Pro (NM_004010.3); c.3772G>C, p.Ala1258Pro (NM_004011.4); c.3763G>C, p.Ala1255Pro (NM_004012.4); c.415G>C, p.Ala139Pro (NM_004013.3, NM_004020.4, NM_004021.3 and 2 more transcripts); short protein forms A2599P, A2595P, A139P, A2591P, A1255P, A1258P, A2476P.
Identifiers: ClinVar variation 573070 (VCV000573070.9), dbSNP rs1569220550, ClinGen allele CA412656716.